The following is an entry in ClinVar:

NM_002439.5(MSH3):c.959A>C (p.Asp320Ala)

Genes: MSH3 (mutS homolog 3; plus strand), LOC126807437 (MED14-independent group 3 enhancer GRCh37_chr5:79968379-79969578; plus strand). Cytogenetic location: 5q14.1.
Variant type: single nucleotide variant.
Coding change: c.959A>C on transcript NM_002439.5 (MANE Select); coding-DNA position 959, A replaced by C.
Protein change: p.Asp320Ala; replaces aspartic acid 320 with alanine.
Molecular consequence: missense variant.
Genome position (GRCh38, 1-based): chr5:80,672,790, A>C. VCF-style: chr5-80672790-A-C. GRCh37 (hg19) VCF-style: chr5-79968609-A-C.
Other names: short protein forms D320A.
Identifiers: ClinVar variation 3398739 (VCV003398739.1).

ClinVar aggregate classification (germline): Uncertain significance (1 of 4 stars; one submission).

Conditions:
Hereditary cancer-predisposing syndrome. Also called: Hereditary Cancer Syndrome; Tumor predisposition; Hereditary neoplastic syndrome; Neoplastic Syndromes, Hereditary. Identifiers: Orphanet 140162, MedGen C0027672, MeSH D009386, MONDO:0015356.

Submission:

Ambry Genetics
Classification: Uncertain significance for Hereditary cancer-predisposing syndrome. Last evaluated: 2024-10-08. Review status: criteria provided, single submitter. Criteria: Ambry Variant Classification Scheme 2023. Collection method: clinical testing. Allele origin: germline.
Comment: The p.D320A variant (also known as c.959A>C), located in coding exon 6 of the MSH3 gene, results from an A to C substitution at nucleotide position 959. The aspartic acid at codon 320 is replaced by alanine, an amino acid with dissimilar properties. This amino acid position is conserved. In addition, this alteration is predicted to be tolerated by in silico analysis. Based on the available evidence, the clinical significance of this variant remains unclear.